The following is an entry in ClinVar:

NM_000334.4(SCN4A):c.5239A>G (p.Met1747Val)

Genes: GH-LCR (growth hormone locus control region; plus strand), SCN4A (sodium voltage-gated channel alpha subunit 4; minus strand). Cytogenetic location: 17q23.3.
Variant type: single nucleotide variant.
Coding change: c.5239A>G on transcript NM_000334.4 (MANE Select); coding-DNA position 5239, A replaced by G.
Protein change: p.Met1747Val; replaces methionine 1747 with valine.
Molecular consequence: missense variant.
Genome position (GRCh38, 1-based): chr17:63,941,043, T>C on the plus strand (A>G on the coding strand, the complement: SCN4A is on the minus strand). VCF-style: chr17-63941043-T-C. GRCh37 (hg19) VCF-style: chr17-62018403-T-C.
Other names: short protein forms M1747V.
Identifiers: ClinVar variation 1043677 (VCV001043677.13), dbSNP rs748599327, ClinGen allele CA8708804.

ClinVar aggregate classification (germline): Uncertain significance. Review status: criteria provided, multiple submitters, no conflicts (2 of 4 stars). 3 submissions from 3 submitters: Uncertain significance (3). Last evaluated 2025-01-26.

Conditions:
Paramyotonia congenita of Von Eulenburg. Also called: PARALYSIS PERIODICA PARAMYOTONICA; Paramyotonia Congenita; Eulenburg disease; Myotonia congenita intermittens; Von Eulenburg paramyotonia congenita. Identifiers: Orphanet 684, MedGen C0221055, MONDO:0008195, OMIM 168300. Disease mechanism: loss of function.
Congenital myasthenic syndrome 16. Identifiers: Orphanet 590, MedGen C3280112, MONDO:0013620, OMIM 614198.
Hypokalemic periodic paralysis, type 1. Also called: Hypokalemic Periodic Paralysis Type 1 (AD); HypoPP. Identifiers: Orphanet 681, MedGen C3714580, MONDO:0042979, OMIM 170400.
Potassium-aggravated myotonia. Also called: MYOTONIA CONGENITA, ACETAZOLAMIDE-RESPONSIVE; MYOTONIA CONGENITA, ATYPICAL; SODIUM CHANNEL MUSCLE DISEASE; Myotonia congenita, atypical, acetazolamide-responsive. Identifiers: Orphanet 612, Orphanet 99734, Orphanet 99735, Orphanet 99736, MedGen C2931826, MONDO:0018959, OMIM 608390.
Hyperkalemic periodic paralysis. Also called: Familial hyperkalemic periodic paralysis; Gamstorp disease. Identifiers: Orphanet 682, MedGen C0238357, MONDO:0008224, OMIM 170500, HP:0007215.
Hypokalemic periodic paralysis, type 2 (HOKPP2). Identifiers: Orphanet 681, MedGen C2750061, MONDO:0013234, OMIM 613345.

Allele frequency attached by ClinVar (database versions not stated): gnomAD exomes 0.00001 and 0.00002; TOPMed 0.00002; ExAC 0.00002; gnomAD 0.00003.

Submissions (3):

Labcorp Genetics (formerly Invitae), Labcorp
Classification: Uncertain significance for Hyperkalemic periodic paralysis. Last evaluated: 2025-01-26. Review status: criteria provided, single submitter. Criteria: Invitae Variant Classification Sherloc (09022015). Collection method: clinical testing. Allele origin: germline.
Comment: This sequence change replaces methionine, which is neutral and non-polar, with valine, which is neutral and non-polar, at codon 1747 of the SCN4A protein (p.Met1747Val). This variant is present in population databases (rs748599327, gnomAD 0.01%). This variant has not been reported in the literature in individuals affected with SCN4A-related conditions. ClinVar contains an entry for this variant (Variation ID: 1043677). Invitae Evidence Modeling of protein sequence and biophysical properties (such as structural, functional, and spatial information, amino acid conservation, physicochemical variation, residue mobility, and thermodynamic stability) indicates that this missense variant is not expected to disrupt SCN4A protein function with a negative predictive value of 95%. In summary, the available evidence is currently insufficient to determine the role of this variant in disease. Therefore, it has been classified as a Variant of Uncertain Significance.

Fulgent Genetics
Classification: Uncertain significance for Paramyotonia congenita of Von Eulenburg; Hypokalemic periodic paralysis, type 1; Hyperkalemic periodic paralysis; Potassium-aggravated myotonia; Hypokalemic periodic paralysis, type 2; Congenital myasthenic syndrome 16. Last evaluated: 2022-05-05. Review status: criteria provided, single submitter. Criteria: ACMG Guidelines, 2015. Collection method: clinical testing. Allele origin: unknown.

Revvity Omics, Revvity
Classification: Uncertain significance. Last evaluated: 2021-04-16. Review status: criteria provided, single submitter. Criteria: ACMG Guidelines, 2015. Collection method: clinical testing. Allele origin: germline.